The following is an entry in ClinVar:

NM_003907.3(EIF2B5):c.318A>T (p.Leu106Phe)

Gene: EIF2B5 (eukaryotic translation initiation factor 2B subunit epsilon; plus strand). Cytogenetic location: 3q27.1.
Variant type: single nucleotide variant.
Coding change: c.318A>T on transcript NM_003907.3 (MANE Select); coding-DNA position 318, A replaced by T.
Protein change: p.Leu106Phe; replaces leucine 106 with phenylalanine.
Molecular consequence: missense variant.
Genome position (GRCh38, 1-based): chr3:184,136,734, A>T. VCF-style: chr3-184136734-A-T. GRCh37 (hg19) VCF-style: chr3-183854522-A-T.
Other names: short protein forms L106F.
Identifiers: ClinVar variation 195203 (VCV000195203.27), dbSNP rs113994048, ClinGen allele CA346861.

ClinVar aggregate classification (germline): Pathogenic. Review status: criteria provided, multiple submitters, no conflicts (2 of 4 stars). 10 submissions from 10 submitters: Pathogenic (9). 1 of the submissions does not count toward it. Last evaluated 2025-09-16.

Conditions:
EIF2B5-related disorder. Also called: EIF2B5-related condition.
Inborn genetic diseases. Identifiers: MedGen C0950123, MeSH D030342.
Vanishing white matter disease. Also called: CACH syndrome; Childhood ataxia with diffuse central nervous system hypomyelination; Leukoencephalopathy with vanishing white matter; CACH/VWM syndrome; Cree leukoencehalopathy. Identifiers: Orphanet 135, Orphanet 99853, MedGen C1858991, MONDO:0800448.
Leukoencephalopathy with vanishing white matter 1 (VWM1). Also called: Cree leukoencephalopathy; CHILDHOOD ATAXIA WITH CENTRAL NERVOUS SYSTEM HYPOMYELINIZATION; Vanishing white matter leukodystrophy; EIF2B1-Related Childhood Ataxia with Central Nervous System Hypomyelination/Vanishing White Matter. Identifiers: Orphanet 99854, MedGen C5779972, MONDO:0020507, OMIM 603896.
Leukoencephalopathy with vanishing white matter 5 (VWM5). Also called: EIF2B5-Related Childhood Ataxia with Central Nervous System Hypomyelination/Vanishing White Matter; Leukoencephalopathy with vanishing white matter 5, with or without ovarian failure. Identifiers: MedGen C5779973, MONDO:0957873, OMIM 620315.

Allele frequency attached by ClinVar (database versions not stated): gnomAD 0.00002; gnomAD exomes 0.00002 and 0.00004; TOPMed 0.00003; ExAC 0.00005.
gnomAD v4.1: 16 of 1,614,074 alleles (0.00099%); highest among the groups gnomAD compares: Admixed American, 0.027%; no homozygotes.

Submissions (10):

Natera, Inc.
Classification: Pathogenic for Leukoencephalopathy with vanishing white matter. Last evaluated: 2025-09-16. Review status: criteria provided, single submitter. Criteria: Natera Variant Classification Schema (03/2026). Collection method: clinical testing. Allele origin: germline.
Comment: The c.318A>T variant in EIF2B5 is a missense variant predicted to cause substitution of leucine to phenylalanine at amino acid 106. The frequency of this variant in the general population is greater than expected for disorder. This variant has been observed in one or more individuals affected with the associated recessive disease, as either homozygous or compound heterozygous with a second variant (PMID: 33432707, 35012964, 29382480). Additionally, this variant has been observed to segregate in affected family members (PMID: 33432707). Computational prediction algorithms indicate this variant is likely to affect gene or protein function. Given the available evidence, this variant is classified as Pathogenic.

Centro de Investigaciones en Bioquimica Clinica e Inmunologia, Consejo Nacional de Investigaciones Científicas y Técnicas
Classification: Pathogenic for Leukoencephalopathy with vanishing white matter 5. Last evaluated: 2025-09-01. Review status: criteria provided, single submitter. Criteria: ACMG Guidelines, 2015. Collection method: research. Allele origin: germline. Inheritance: Autosomal recessive inheritance. Affected: yes. Observed: 4 variant alleles, 1 heterozygote, 3 compound heterozygotes. Clinical features observed: Seizure (HP:0001250), Leukodystrophy (HP:0002415), Motor regression (HP:0033044), Developmental regression (HP:0002376).
Comment: The NM_003907.3:c.318A>T (p.Leu106Phe) variant causes a leucine-to-phenylalanine substitution at codon 106. It shows very low frequency in gnomAD with no homozygotes (PM2_Supporting). Reported in affected individuals with Leukoencephalopathy with vanishing white matter in homozygous and compound heterozygous states (PMIDs: 29382480, 20016818, 31418856, 25089094, 11704758) (PM3_VeryStrong). In silico prediction (REVEL score = 0.73) supports a damaging effect (PP3_Supporting). The variant was also observed to co-segregate with disease in an affected family (doi:10.3389/fgene.2025.1688885; PP1_Moderate).

Labcorp Genetics (formerly Invitae), Labcorp
Classification: Pathogenic. Last evaluated: 2025-02-10. Review status: criteria provided, single submitter. Criteria: Invitae Variant Classification Sherloc (09022015). Collection method: clinical testing. Allele origin: germline.
Comment: This sequence change replaces leucine, which is neutral and non-polar, with phenylalanine, which is neutral and non-polar, at codon 106 of the EIF2B5 protein (p.Leu106Phe). This variant is present in population databases (rs113994048, gnomAD 0.03%). This missense change has been observed in individuals with leukoencephalopathy with vanishing white matter (PMID: 11704758, 25089094, 31418856). ClinVar contains an entry for this variant (Variation ID: 195203). An algorithm developed to predict the effect of missense changes on protein structure and function (PolyPhen-2) suggests that this variant is likely to be tolerated. Experimental studies have shown that this missense change affects EIF2B5 function (PMID: 14993275). For these reasons, this variant has been classified as Pathogenic.

Fulgent Genetics
Classification: Pathogenic for Leukoencephalopathy with vanishing white matter 5. Last evaluated: 2023-12-29. Review status: criteria provided, single submitter. Criteria: ACMG Guidelines, 2015. Collection method: clinical testing. Allele origin: germline.

GeneDx
Classification: Pathogenic. Last evaluated: 2023-10-18. Review status: criteria provided, single submitter. Criteria: GeneDx Variant Classification Process June 2021. Collection method: clinical testing. Allele origin: germline. Affected: yes.
Comment: Reported with a second EIF2B5 variant, phase unknown, in patients with vanishing white matter disease in published literature (Leegwater et al., 2001; Turon-Vinas et al., 2014; Slynko et al., 2021); In silico analysis supports that this missense variant has a deleterious effect on protein structure/function; In addition, in silico splice predictors suggest this variant may lead to abnormal gene splicing; Not observed at a significant frequency in large population cohorts (gnomAD); This variant is associated with the following publications: (PMID: 29382480, 12707859, 31418856, 9710032, 18263758, 14572143, 16998732, 16807905, 20838246, 25089094, 33084218, 28252636, 35012964, 33432707, 11704758)

Ambry Genetics
Classification: Pathogenic for Inborn genetic diseases. Last evaluated: 2017-10-13. Review status: criteria provided, single submitter. Criteria: Ambry exome assertion method (8-5-2015). Collection method: clinical testing. Allele origin: germline. Affected: yes. Observed: 1 variant allele.

Eurofins Ntd Llc (ga)
Classification: Pathogenic. Last evaluated: 2015-04-28. Review status: criteria provided, single submitter. Criteria: EGL Classification Definitions 2015. Collection method: clinical testing. Allele origin: germline. Observed: 1 variant allele, 1 homozygote.

Baylor Genetics
Classification: Pathogenic for Leukoencephalopathy with vanishing white matter 1. Review status: criteria provided, single submitter. Criteria: ACMG Guidelines, 2015. Collection method: clinical testing. Allele origin: unknown.

Neuberg Centre For Genomic Medicine, NCGM
Classification: Pathogenic for Leukoencephalopathy with vanishing white matter 1. Review status: criteria provided, single submitter. Criteria: ACMG Guidelines, 2015. Collection method: clinical testing. Allele origin: germline. Inheritance: Autosomal recessive inheritance. Affected: yes.
Comment: The missense variant c.318A>T (p.Leu106Phe) in the EIF2B5 gene has been reported previously in heterozygous and homozygous states in multiple individuals affected with Vanishing white matter leukoencephalopathy. Experimental studies have shown that this missense change affects the EIF2B5 function (Turón-Viñas et al., 2014; Richardson et al., 2004). However there is no recent literature supporting experimental evidence. This variant is reported with the allele frequency (0.004%) in the gnomAD. It is submitted to ClinVar with varying interpretations as Pathogenic/ Likely Pathogenic. The amino acid Leucine at position 106 is changed to a Phenylalanine changing protein sequence and it might alter its composition and physico-chemical properties. The variant is predicted as damaging by SIFT. For these reasons, this variant has been classified as Pathogenic.

PreventionGenetics, part of Exact Sciences
Classification: Pathogenic for EIF2B5-related condition. Last evaluated: 2024-08-21. Review status: no assertion criteria provided. Collection method: clinical testing. Allele origin: germline. Not counted in ClinVar's aggregate classification.
Comment: The EIF2B5 c.318A>T variant is predicted to result in the amino acid substitution p.Leu106Phe. This variant has been reported in homozygous and compound heterozygous states individuals with features consistent with leukoencephalopathy with vanishing white matter (Supplementary Table 2, Cohen et al. 2019. PubMed ID: 31418856; Esmer et al. 2017. PubMed ID: 29382480; Supplementary Table 1, Salinas et al. 2020. PubMed ID: 33084218; eTable 2, Schlüter et al. 2022. PubMed ID: 35012964; Supplementary Table 1, phasing unknown in Baldridge et al. 2017. PubMed ID: 28252636; phasing unknown in Leegwater et al. 2001. PubMed ID: 11704758). This variant is reported in 0.032% of alleles in individuals of Latino descent in gnomAD. This variant is interpreted as pathogenic.

Literature cited by the submitters: PubMed 33432707 (cited by Natera, Inc.); PubMed 35012964 (cited by Natera, Inc.); PubMed 29382480 (cited by Natera, Inc. and Centro de Investigaciones en Bioquimica Clinica e Inmunologia, Consejo Nacional de Investigaciones Científicas y Técnicas); PubMed 20016818 (cited by Centro de Investigaciones en Bioquimica Clinica e Inmunologia, Consejo Nacional de Investigaciones Científicas y Técnicas); PubMed 31418856 (cited by Centro de Investigaciones en Bioquimica Clinica e Inmunologia, Consejo Nacional de Investigaciones Científicas y Técnicas and Labcorp Genetics (formerly Invitae), Labcorp); PubMed 25089094 (cited by 4 submitters); PubMed 11704758 (cited by 4 submitters); PubMed 14993275 (cited by Centro de Investigaciones en Bioquimica Clinica e Inmunologia, Consejo Nacional de Investigaciones Científicas y Técnicas and Labcorp Genetics (formerly Invitae), Labcorp); DOI 10.3389/fgene.2025.1688885 (cited by Centro de Investigaciones en Bioquimica Clinica e Inmunologia, Consejo Nacional de Investigaciones Científicas y Técnicas); PubMed 25326635 (cited by Baylor Genetics).